The following is an entry in ClinVar:

NM_005219.5(DIAPH1):c.375G>A (p.Val125=)

Gene: DIAPH1 (diaphanous related formin 1; minus strand). Cytogenetic location: 5q31.3.
Variant type: single nucleotide variant.
Coding change: c.375G>A on transcript NM_005219.5 (MANE Select); coding-DNA position 375, G replaced by A.
Protein change: p.Val125=; no amino-acid change (valine 125 retained).
Molecular consequence: synonymous variant.
Genome position (GRCh38, 1-based): chr5:141,584,151, C>T on the plus strand (G>A on the coding strand, the complement: DIAPH1 is on the minus strand). VCF-style: chr5-141584151-C-T. GRCh37 (hg19) VCF-style: chr5-140963718-C-T.
Other names: c.348G>A, p.Val116= (NM_001079812.3); c.375G>A, p.Val125= (NM_001314007.2).
Identifiers: ClinVar variation 4686188 (VCV004686188.1).
Genomic context (GRCh38, chr5:141,584,151, plus strand): 5'-TCCCATGTCATGGGTACCTGTCCCAGGACTCACAGCCTTGGAGGTGTACAAGTATTGGGA[C>T]ACCATCTCCCTCTTGATGATGATGTCCTTCTCCCTCAAAGGTTGCTGTTTCTCCTCATTC-3'
Protein context (NP_005210.3, residues 115-135): EKDIIIKREM[Val125=]SQYLYTSKAG

ClinVar aggregate classification (germline): Uncertain significance (1 of 4 stars; one submission).

Submission:

GeneDx
Classification: Uncertain significance. Last evaluated: 2025-07-16. Review status: criteria provided, single submitter. Criteria: GeneDx Variant Classification Process June 2021. Collection method: clinical testing. Allele origin: germline. Affected: yes.
Comment: Not observed at significant frequency in large population cohorts (gnomAD); In silico analysis suggests that this variant does not alter splicing; Has not been previously published as pathogenic or benign to our knowledge